The following is an entry in ClinVar:

NM_004415.4(DSP):c.4003C>G (p.Gln1335Glu)

Gene: DSP (desmoplakin; plus strand). Cytogenetic location: 6p24.3.
Variant type: single nucleotide variant.
Coding change: c.4003C>G on transcript NM_004415.4 (MANE Select); coding-DNA position 4003, C replaced by G.
Protein change: p.Gln1335Glu; replaces glutamine 1335 with glutamic acid.
Molecular consequence: missense variant. On other transcripts: intron variant (1).
Genome position (GRCh38, 1-based): chr6:7,580,193, C>G. VCF-style: chr6-7580193-C-G. GRCh37 (hg19) VCF-style: chr6-7580426-C-G.
Other names: c.4003C>G, p.Gln1335Glu (NM_001319034.2); c.3582+421C>G (NM_001008844.3); short protein forms Q1335E.
Identifiers: ClinVar variation 3386670 (VCV003386670.1).

ClinVar aggregate classification (germline): Uncertain significance (1 of 4 stars; one submission).

Conditions:
Arrhythmogenic cardiomyopathy with wooly hair and keratoderma. Also called: Carvajal syndrome; PALMOPLANTAR KERATODERMA WITH LEFT VENTRICULAR CARDIOMYOPATHY AND WOOLLY HAIR; Dilated cardiomyopathy with woolly hair and keratoderma; Arrhythmogenic cardiomyopathy with woolly hair and keratoderma. Identifiers: Orphanet 65282, MedGen C1854063, MONDO:0011581, OMIM 605676.

Submission:

All of Us Research Program, National Institutes of Health
Classification: Uncertain significance for Arrhythmogenic cardiomyopathy with wooly hair and keratoderma. Last evaluated: 2024-02-22. Review status: criteria provided, single submitter. Criteria: ACMG Guidelines, 2015. Collection method: clinical testing. Allele origin: germline. Inheritance: Autosomal dominant inheritance. Observed: 1 variant allele, 1 heterozygote.
Comment: This missense variant replaces glutamine with glutamic acid at codon 1335 of the DSP protein. Computational prediction suggests that this variant may not impact protein structure and function (internally defined REVEL score threshold <= 0.5, PMID: 27666373). To our knowledge, functional studies have not been reported for this variant. This variant has not been reported in individuals affected with DSP-related disorders in the literature. This variant has not been identified in the general population by the Genome Aggregation Database (gnomAD). The available evidence is insufficient to determine the role of this variant in disease conclusively. Therefore, this variant is classified as a Variant of Uncertain Significance.

This study involves interpretation of variants in research participants for the purpose of population health screening. Participant phenotype was not available at the time of variant classification. Additional details can be found in publication PMID: 35346344, PMCID: PMC8962531